The following is an entry in ClinVar:

NM_000548.5(TSC2):c.3553G>A (p.Ala1185Thr)

Gene: TSC2 (TSC complex subunit 2; plus strand). Cytogenetic location: 16p13.3.
Variant type: single nucleotide variant.
Coding change: c.3553G>A on transcript NM_000548.5 (MANE Select); coding-DNA position 3553, G replaced by A.
Protein change: p.Ala1185Thr; replaces alanine 1185 with threonine.
Molecular consequence: missense variant.
Genome position (GRCh38, 1-based): chr16:2,080,320, G>A. VCF-style: chr16-2080320-G-A. GRCh37 (hg19) VCF-style: chr16-2130321-G-A.
Other names: c.3454G>A, p.Ala1152Thr (NM_001318832.2); c.3424G>A, p.Ala1142Thr (NM_001363528.2, NM_001370405.1, NM_021055.3); c.3421G>A, p.Ala1141Thr (NM_001370404.1, NM_001077183.3); c.3553G>A, p.Ala1185Thr (NM_001114382.3); c.3313G>A, p.Ala1105Thr (NM_001318827.2); c.3277G>A, p.Ala1093Thr (NM_001318829.2); c.2821G>A, p.Ala941Thr (NM_001318831.2); short protein forms A1142T, A1152T, A1093T, A1141T, A1185T, A1105T, A941T.
Identifiers: ClinVar variation 1361145 (VCV001361145.6), dbSNP rs2151460899, ClinGen allele CA394289515.

ClinVar aggregate classification (germline): Uncertain significance (1 of 4 stars; one submission).

Conditions:
Tuberous sclerosis 2 (TSC2). Identifiers: Orphanet 805, MedGen C1860707, MONDO:0013199, OMIM 613254.

Submission:

Labcorp Genetics (formerly Invitae), Labcorp
Classification: Uncertain significance for Tuberous sclerosis 2. Last evaluated: 2025-07-14. Review status: criteria provided, single submitter. Criteria: Invitae Variant Classification Sherloc (09022015). Collection method: clinical testing. Allele origin: germline.
Comment: This sequence change replaces alanine, which is neutral and non-polar, with threonine, which is neutral and polar, at codon 1185 of the TSC2 protein (p.Ala1185Thr). This variant is not present in population databases (gnomAD no frequency). This variant has not been reported in the literature in individuals affected with TSC2-related conditions. ClinVar contains an entry for this variant (Variation ID: 1361145). Invitae Evidence Modeling of protein sequence and biophysical properties (such as structural, functional, and spatial information, amino acid conservation, physicochemical variation, residue mobility, and thermodynamic stability) indicates that this missense variant is not expected to disrupt TSC2 protein function with a negative predictive value of 95%. In summary, the available evidence is currently insufficient to determine the role of this variant in disease. Therefore, it has been classified as a Variant of Uncertain Significance.